The following is an entry in ClinVar:

NM_001184880.2(PCDH19):c.3077C>A (p.Pro1026Gln)

Gene: PCDH19 (protocadherin 19; minus strand). Cytogenetic location: Xq22.1.
Variant type: single nucleotide variant.
Coding change: c.3077C>A on transcript NM_001184880.2 (MANE Select); coding-DNA position 3077, C replaced by A.
Protein change: p.Pro1026Gln; replaces proline 1026 with glutamine.
Molecular consequence: missense variant.
Genome position (GRCh38, 1-based): chrX:100,296,647, G>T on the plus strand (C>A on the coding strand, the complement: PCDH19 is on the minus strand). VCF-style: chrX-100296647-G-T. GRCh37 (hg19) VCF-style: chrX-99551645-G-T.
Other names: c.2936C>A, p.Pro979Gln (NM_001105243.2); c.2933C>A, p.Pro978Gln (NM_020766.3); short protein forms P1026Q, P978Q, P979Q.
Identifiers: ClinVar variation 5036917 (VCV005036917.1).
Genomic context (GRCh38, chrX:100,296,647, plus strand): 5'-GGGCTGCAGATGGTCACATCGACAGTCCTCTTGCCTTTCAGGGTAGGCCTCTCCTCAGCC[G>T]GGTGGTCGCTGACATCTTTCCCAAAGGTTGCGAAAGTCCGTTTGGTGGGGCCGCAGTCGT-3'
Protein context (NP_001171809.1, residues 1016-1036): ATFGKDVSDH[Pro1026Gln]AEERPTLKGK

ClinVar aggregate classification (germline): Uncertain significance (1 of 4 stars; one submission).

Submission:

GeneDx
Classification: Uncertain significance. Last evaluated: 2026-04-23. Review status: criteria provided, single submitter. Criteria: GeneDx Variant Classification Process June 2021. Collection method: clinical testing. Allele origin: germline.
Comment: Not observed at significant frequency in large population cohorts (gnomAD); In silico analysis suggests that this missense variant does not alter protein structure/function; Has not been previously published as pathogenic or benign to our knowledge